The following is an entry in ClinVar:

NM_002350.4(LYN):c.998G>A (p.Ser333Asn)

Gene: LYN (LYN proto-oncogene, Src family tyrosine kinase; plus strand). Cytogenetic location: 8q12.1.
Variant type: single nucleotide variant.
Coding change: c.998G>A on transcript NM_002350.4 (MANE Select); coding-DNA position 998, G replaced by A.
Protein change: p.Ser333Asn; replaces serine 333 with asparagine.
Molecular consequence: missense variant.
Genome position (GRCh38, 1-based): chr8:55,969,741, G>A. VCF-style: chr8-55969741-G-A. GRCh37 (hg19) VCF-style: chr8-56882300-G-A.
Other names: c.935G>A, p.Ser312Asn (NM_001111097.3); c.998G>A (NM_002350.3); short protein forms S312N, S333N.
Identifiers: ClinVar variation 2073194 (VCV002073194.5), dbSNP rs764933395, ClinGen allele CA4754159.
Genomic context (GRCh38, chr8:55,969,741, plus strand): 5'-TTGGAATGCACTAACTTGTTCTTTCTTTCTCCATAGGCAGTTTGCTGGATTTCCTGAAGA[G>A]CGATGAAGGTGGCAAAGTGCTGCTTCCAAAGCTCATTGACTTTTCTGCTCAGGTAACATA-3'
Protein context (NP_002341.1, residues 323-343): AKGSLLDFLK[Ser333Asn]DEGGKVLLPK

ClinVar aggregate classification (germline): Uncertain significance. Review status: criteria provided, multiple submitters, no conflicts (2 of 4 stars). 2 submissions from 2 submitters: Uncertain significance (2). Last evaluated 2025-11-26.

Conditions:
Inborn genetic diseases. Identifiers: MedGen C0950123, MeSH D030342.

Allele frequency attached by ClinVar (database versions not stated): gnomAD exomes 0.00001; TOPMed 0.00001; ExAC 0.00002.
gnomAD v4.1: 20 of 1,614,152 alleles (0.0012%); highest among the groups gnomAD compares: Non-Finnish European, 0.0016%; no homozygotes.

Submissions (2):

Ambry Genetics
Classification: Uncertain significance for Inborn genetic diseases. Last evaluated: 2025-11-26. Review status: criteria provided, single submitter. Criteria: Ambry Variant Classification Scheme 2023. Collection method: clinical testing. Allele origin: germline.

Labcorp Genetics (formerly Invitae), Labcorp
Classification: Uncertain significance. Last evaluated: 2022-07-15. Review status: criteria provided, single submitter. Criteria: Invitae Variant Classification Sherloc (09022015). Collection method: clinical testing. Allele origin: germline.
Comment: In summary, the available evidence is currently insufficient to determine the role of this variant in disease. Therefore, it has been classified as a Variant of Uncertain Significance. Algorithms developed to predict the effect of missense changes on protein structure and function (SIFT, PolyPhen-2, Align-GVGD) all suggest that this variant is likely to be disruptive. This variant has not been reported in the literature in individuals affected with LYN-related conditions. This variant is present in population databases (rs764933395, gnomAD 0.002%). This sequence change replaces serine, which is neutral and polar, with asparagine, which is neutral and polar, at codon 333 of the LYN protein (p.Ser333Asn).